The following is an entry in ClinVar:

NM_000138.5(FBN1):c.1222C>T (p.Pro408Ser)

Gene: FBN1 (fibrillin 1; minus strand). Cytogenetic location: 15q21.1.
Variant type: single nucleotide variant.
Coding change: c.1222C>T on transcript NM_000138.5 (MANE Select); coding-DNA position 1222, C replaced by T.
Protein change: p.Pro408Ser; replaces proline 408 with serine.
Molecular consequence: missense variant.
Genome position (GRCh38, 1-based): chr15:48,516,288, G>A on the plus strand (C>T on the coding strand, the complement: FBN1 is on the minus strand). VCF-style: chr15-48516288-G-A. GRCh37 (hg19) VCF-style: chr15-48808485-G-A.
Other names: c.1222C>T, p.Pro408Ser (NM_001406716.1); short protein forms P408S.
Identifiers: ClinVar variation 3075210 (VCV003075210.1), dbSNP rs2505619691, ClinGen allele CA392345592.

ClinVar aggregate classification (germline): Uncertain significance (1 of 4 stars; one submission).

Conditions:
Marfan syndrome (MFS). Also called: MARFAN SYNDROME, TYPE I; Marfan syndrome type 1; Marfan's syndrome; Marfan syndrome, classic; FBN1-Related Marfan Syndrome. Identifiers: Orphanet 284963, Orphanet 558, MedGen C0024796, MONDO:0007947, OMIM 154700.

Submission:

All of Us Research Program, National Institutes of Health
Classification: Uncertain significance for Marfan syndrome. Last evaluated: 2024-01-11. Review status: criteria provided, single submitter. Criteria: ACMG Guidelines, 2015. Collection method: clinical testing. Allele origin: germline. Inheritance: Autosomal dominant inheritance. Observed: 1 variant allele, 1 heterozygote.
Comment: This study involves interpretation of variants in research participants for the purpose of population health screening. Participant phenotype was not available at the time of variant classification. Additional details can be found in publication PMID: 35346344, PMCID: PMC8962531